The following is an entry in ClinVar:

ClinVar aggregate classification (germline): other (0 of 4 stars; one submission).

Conditions:
Familial colorectal cancer. Identifiers: MedGen CN280943, MONDO:0023113. Disease mechanism: loss of function.

Submission:

Systems Biology Platform Zhejiang California International NanoSystems Institute
Classification: other for Familial colorectal cancer. Review status: no assertion criteria provided. Collection method: not provided. Allele origin: unknown.
ClinVar note: Converted during submission from cancer to other.

NM_000038.6(APC):c.136-1084C>A

Gene: APC (APC regulator of WNT signaling pathway; plus strand). Cytogenetic location: 5q22.2.
Variant type: single nucleotide variant.
Coding change: c.136-1084C>A on transcript NM_000038.6 (MANE Select); 1084 bases into the intron before coding-DNA position 136, C replaced by A.
Molecular consequence: intron variant.
Genome position (GRCh38, 1-based): chr5:112,765,242, C>A. VCF-style: chr5-112765242-C-A. GRCh37 (hg19) VCF-style: chr5-112100939-C-A.
Other names: c.136-1084C>A (NM_001354895.2, NM_001127510.3, NM_001354896.2 and 2 more transcripts); c.166-1084C>A (NM_001354897.2, NM_001354902.2, NM_001127511.3); c.61-1084C>A (NM_001354898.2, NM_001354904.2); c.-900-1084C>A (NM_001354906.2); c.-42-1084C>A (NM_001354900.2, NM_001354901.2, NM_001354905.2).
Identifiers: ClinVar variation 82864 (VCV000082864.2), dbSNP rs74389055, ClinGen allele CA004474.